The following is an entry in ClinVar:

ClinVar aggregate classification (germline): Uncertain significance. Review status: criteria provided, multiple submitters, no conflicts (2 of 4 stars). 2 submissions from 2 submitters: Uncertain significance (2). Last evaluated 2025-09-27.

Conditions:
Epileptic encephalopathy. Identifiers: MedGen C0543888, HP:0200134.

Submissions (2):

Labcorp Genetics (formerly Invitae), Labcorp
Classification: Uncertain significance for Epileptic encephalopathy. Last evaluated: 2025-09-27. Review status: criteria provided, single submitter. Criteria: Invitae Variant Classification Sherloc (09022015). Collection method: clinical testing. Allele origin: germline.
Comment: This variant, c.2774_2776dup, results in the insertion of 1 amino acid(s) of the GABBR2 protein (p.Pro925dup), but otherwise preserves the integrity of the reading frame. This variant is present in population databases (rs771637982, gnomAD no frequency). This variant has not been reported in the literature in individuals affected with GABBR2-related conditions. ClinVar contains an entry for this variant (Variation ID: 462136). Experimental studies and prediction algorithms are not available or were not evaluated, and the functional significance of this variant is currently unknown. In summary, the available evidence is currently insufficient to determine the role of this variant in disease. Therefore, it has been classified as a Variant of Uncertain Significance.

Blueprint Genetics
Classification: Uncertain significance. Last evaluated: 2024-11-01. Review status: criteria provided, single submitter. Criteria: ACMG Guidelines, 2015. Collection method: clinical testing. Allele origin: germline.

NM_005458.8(GABBR2):c.2774_2776dup (p.Pro925dup)

Gene: GABBR2 (gamma-aminobutyric acid type B receptor subunit 2; minus strand). Cytogenetic location: 9q22.33.
Variant type: Duplication.
Coding change: c.2774_2776dup on transcript NM_005458.8 (MANE Select); coding-DNA positions 2774 to 2776, 3 bases duplicated (CCC; older notation c.2774_2776dupCCC).
Protein change: p.Pro925dup; duplicates proline 925.
Molecular consequence: inframe insertion.
Genome position (GRCh38, 1-based): chr9:98,290,634-98,290,636, GGG duplicated on the plus strand (CCC on the coding strand, the reverse complement: GABBR2 is on the minus strand); duplicating any 3 consecutive bases within chr9:98,290,634-98,290,638 gives the same sequence; the c. name uses the placement nearest the transcript's 3' end. VCF-style (leftmost placement, unchanged base first): chr9-98290633-C-CGGG. GRCh37 (hg19) VCF-style: chr9-101052915-C-CGGG.
Other names: c.2774_2776dupCCC (NM_005458.7).
Identifiers: ClinVar variation 462136 (VCV000462136.11), dbSNP rs771637982, ClinGen allele CA5152364.